The following is an entry in ClinVar:

ClinVar aggregate classification (germline): Uncertain significance (1 of 4 stars; one submission).

gnomAD v4.1: 1 of 1,614,202 alleles (0.000062%); highest among the groups gnomAD compares: South Asian, 0.0011%; no homozygotes.

Submission:

CeGaT Center for Human Genetics Tuebingen
Classification: Uncertain significance. Last evaluated: 2025-05-01. Review status: criteria provided, single submitter. Criteria: CeGaT Center For Human Genetics Tuebingen Variant Classification Criteria Version 2. Collection method: clinical testing. Allele origin: germline. Affected: yes. Observed: 1 variant allele.
Comment: ZNF750: PM2, BP4

NM_024702.3(ZNF750):c.893C>T (p.Ser298Phe)

Genes: TBCD (tubulin folding cofactor D), ZNF750 (zinc finger protein 750; minus strand). Cytogenetic location: 17q25.3.
Variant type: single nucleotide variant.
Coding change: c.893C>T on transcript NM_024702.3 (MANE Select); coding-DNA position 893, C replaced by T.
Protein change: p.Ser298Phe; replaces serine 298 with phenylalanine.
Molecular consequence: missense variant. On other transcripts: intron variant (3).
Genome position (GRCh38, 1-based): chr17:82,831,562, G>A on the plus strand (C>T on the coding strand, the complement: ZNF750 is on the minus strand). VCF-style: chr17-82831562-G-A. GRCh37 (hg19) VCF-style: chr17-80789438-G-A.
Other names: c.1318+16628G>A (NM_005993.5, NM_001411102.1); c.1267+16628G>A (NM_001411101.1); short protein forms S298F.
Identifiers: ClinVar variation 3905653 (VCV003905653.10).